The following is an entry in ClinVar:

NC_000003.11:g.(?_193360534)_(193361914_?)del

Gene: OPA1 (OPA1 mitochondrial dynamin like GTPase; plus strand). Cytogenetic location: 3q29.
Variant type: Deletion.
Identifiers: ClinVar variation 2426182 (VCV002426182.4).

ClinVar aggregate classification (germline): Pathogenic (1 of 4 stars; one submission).

Submission:

Labcorp Genetics (formerly Invitae), Labcorp
Classification: Pathogenic. Last evaluated: 2022-04-17. Review status: criteria provided, single submitter. Criteria: Invitae Variant Classification Sherloc (09022015). Collection method: clinical testing. Allele origin: germline.
Comment: This variant is a gross deletion of the genomic region encompassing exon(s) 10-14 of the OPA1 gene. This variant would be expected to be in-frame, preserving the integrity of the reading frame. This variant has not been reported in the literature in individuals affected with OPA1-related conditions. This variant disrupts a region of the OPA1 protein in which other variant(s) (p.Lys415Glu) have been determined to be pathogenic (PMID: 27265430). This suggests that this is a clinically significant region of the protein, and that variants that disrupt it are likely to be disease-causing. For these reasons, this variant has been classified as Pathogenic.

Literature cited by the submitters: PubMed 27265430.